The following is an entry in ClinVar:

NM_001374736.1(DST):c.16846C>T (p.Leu5616Phe)

Gene: DST (dystonin; minus strand). Cytogenetic location: 6p12.1.
Variant type: single nucleotide variant.
Coding change: c.16846C>T on transcript NM_001374736.1 (MANE Select); coding-DNA position 16846, C replaced by T.
Protein change: p.Leu5616Phe; replaces leucine 5616 with phenylalanine.
Molecular consequence: missense variant.
Genome position (GRCh38, 1-based): chr6:56,535,217, G>A on the plus strand (C>T on the coding strand, the complement: DST is on the minus strand). VCF-style: chr6-56535217-G-A. GRCh37 (hg19) VCF-style: chr6-56400015-G-A.
Other names: c.10489C>T, p.Leu3497Phe (NM_001144769.5); c.10075C>T, p.Leu3359Phe (NM_001144770.2); c.16846C>T, p.Leu5616Phe (NM_001374722.1); c.16213C>T, p.Leu5405Phe (NM_001374729.1); c.9955C>T, p.Leu3319Phe (NM_001374730.1, NM_001386100.1, NM_183380.4); c.16873C>T, p.Leu5625Phe (NM_001374734.1); c.8977C>T, p.Leu2993Phe (NM_015548.5); short protein forms L3359F, L5625F, L2993F, L3319F, L3497F, L5405F, L5616F.
Identifiers: ClinVar variation 1775962 (VCV001775962.2), dbSNP rs761091641, ClinGen allele CA3867580.
Genomic context (GRCh38, chr6:56,535,217, plus strand): 5'-ACTCAGCCGACGGGGGCTTCTGATTGGCCACAAGCTCCTCAGTGTCCACCATCCAGCTGA[G>A]CAGGGACTCCAGGGCATCCTGGAACCTCCCACAGTGCAGCAAGGCCTCCTGCAGCTGGGC-3'
Protein context (NP_001361665.1, residues 5606-5626): GRFQDALESL[Leu5616Phe]SWMVDTEELV

ClinVar aggregate classification (germline): Uncertain significance (1 of 4 stars; one submission).

Conditions:
Inborn genetic diseases. Identifiers: MedGen C0950123, MeSH D030342.

Allele frequency attached by ClinVar (database versions not stated): gnomAD 0.00001; ExAC 0.00002; TOPMed 0.00002.
gnomAD v4.1: 6 of 1,613,576 alleles (0.00037%); highest among the groups gnomAD compares: East Asian, 0.013%; no homozygotes.

Submission:

Ambry Genetics
Classification: Uncertain significance for Inborn genetic diseases. Last evaluated: 2020-03-19. Review status: criteria provided, single submitter. Criteria: Ambry Variant Classification Scheme 2023. Collection method: clinical testing. Allele origin: germline.
Comment: The p.L3497F variant (also known as c.10489C>T), located in coding exon 57 of the DST gene, results from a C to T substitution at nucleotide position 10489. The leucine at codon 3497 is replaced by phenylalanine, an amino acid with highly similar properties. This amino acid position is highly conserved in available vertebrate species. In addition, this alteration is predicted to be tolerated by in silico analysis. Since supporting evidence is limited at this time, the clinical significance of this alteration remains unclear.